The following is an entry in ClinVar:

NM_001303052.2(MYT1L):c.1947C>T (p.Asn649=)

Gene: MYT1L (myelin transcription factor 1 like; minus strand). Cytogenetic location: 2p25.3.
Variant type: single nucleotide variant.
Coding change: c.1947C>T on transcript NM_001303052.2 (MANE Select); coding-DNA position 1947, C replaced by T.
Protein change: p.Asn649=; no amino-acid change (asparagine 649 retained).
Molecular consequence: synonymous variant.
Genome position (GRCh38, 1-based): chr2:1,903,165, G>A on the plus strand (C>T on the coding strand, the complement: MYT1L is on the minus strand). VCF-style: chr2-1903165-G-A. GRCh37 (hg19) VCF-style: chr2-1906937-G-A.
Other names: c.1947C>T, p.Asn649= (NM_001329844.2, NM_001329845.1, NM_001329851.3); c.1941C>T, p.Asn647= (NM_001329846.3, NM_001329847.2, NM_001329848.1 and 3 more transcripts).
Identifiers: ClinVar variation 1334730 (VCV001334730.4), dbSNP rs765607514, ClinGen allele CA1514106.

ClinVar aggregate classification (germline): Uncertain significance (1 of 4 stars; one submission).

Allele frequency attached by ClinVar (database versions not stated): ExAC 0.00001; TOPMed 0.00002; gnomAD 0.00001; gnomAD exomes below 0.00001.
gnomAD v4.1: 5 of 1,613,890 alleles (0.00031%); highest among the groups gnomAD compares: African/African-American, 0.0053%; no homozygotes.

Submission:

Greenwood Genetic Center Diagnostic Laboratories, Greenwood Genetic Center
Classification: Uncertain significance. Last evaluated: 2021-12-29. Review status: criteria provided, single submitter. Criteria: ACMG Guidelines, 2015. Collection method: clinical testing. Allele origin: germline. Affected: yes.
Comment: PM2